The following is an entry in ClinVar:

ClinVar aggregate classification (germline): Uncertain significance (1 of 4 stars; one submission).

Submission:

ISCA site 4
Classification: Uncertain significance. Last evaluated: 2011-08-12. Review status: criteria provided, single submitter. Criteria: Kaminsky et al. (Genet Med. 2011). Collection method: clinical testing. Allele origin: maternal. Affected: yes. Observed: 1 variant allele.
Comment: Copy number variation identified through the course of routine clinical cytogenomic testing in postnatal populations. Clinical assertions have been curated as described in Kaminsky et al. 2011.

GRCh38/hg38 9p24.3(chr9:204193-280314)x3

Genes: DOCK8 (dedicator of cytokinesis 8; plus strand), DOCK8-AS1 (DOCK8 antisense RNA 1; minus strand), LOC130001435 (ATAC-STARR-seq lymphoblastoid silent region 19720; plus strand), LOC130001436 (ATAC-STARR-seq lymphoblastoid silent region 19721; plus strand), LOC130001437 (ATAC-STARR-seq lymphoblastoid silent region 19722; plus strand) and 1 more. Cytogenetic location: 9p24.3.
Variant type: copy number gain.
Change: copy number 3 (three copies instead of two) of chr9:204,193-280,314 (76.1 kb, GRCh38 coordinates, 1-based), cytogenetic band 9p24.3.
Identifiers: ClinVar variation 160966 (VCV000160966.1).